The following is an entry in ClinVar:

NM_002354.3(EPCAM):c.729T>A (p.Asp243Glu)

Gene: EPCAM (epithelial cell adhesion molecule; plus strand). Cytogenetic location: 2p21.
Variant type: single nucleotide variant.
Coding change: c.729T>A on transcript NM_002354.3 (MANE Select); coding-DNA position 729, T replaced by A.
Protein change: p.Asp243Glu; replaces aspartic acid 243 with glutamic acid.
Molecular consequence: missense variant.
Genome position (GRCh38, 1-based): chr2:47,379,840, T>A. VCF-style: chr2-47379840-T-A. GRCh37 (hg19) VCF-style: chr2-47606979-T-A.
Other names: short protein forms D243E.
Identifiers: ClinVar variation 3509181 (VCV003509181.1).

ClinVar aggregate classification (germline): Uncertain significance (1 of 4 stars; one submission).

Conditions:
Hereditary cancer-predisposing syndrome. Also called: Tumor predisposition; Neoplastic Syndromes, Hereditary; Hereditary Cancer Syndrome; Hereditary neoplastic syndrome. Identifiers: Orphanet 140162, MedGen C0027672, MeSH D009386, MONDO:0015356.

gnomAD v4.1: 3 of 1,614,128 alleles (0.00019%); highest among the groups gnomAD compares: Non-Finnish European, 0.00025%; no homozygotes.

Submission:

Ambry Genetics
Classification: Uncertain significance for Hereditary cancer-predisposing syndrome. Last evaluated: 2024-09-13. Review status: criteria provided, single submitter. Criteria: Ambry Variant Classification Scheme 2023. Collection method: clinical testing. Allele origin: germline.
Comment: The p.D243E variant (also known as c.729T>A), located in coding exon 7 of the EPCAM gene, results from a T to A substitution at nucleotide position 729. The aspartic acid at codon 243 is replaced by glutamic acid, an amino acid with highly similar properties. This amino acid position is conserved. In addition, this alteration is predicted to be tolerated by in silico analysis. Based on the available evidence, the clinical significance of this variant remains unclear.